The following is an entry in ClinVar:

NM_020975.6(RET):c.2467G>T (p.Gly823Trp)

Gene: RET (ret proto-oncogene; plus strand). Cytogenetic location: 10q11.21.
Variant type: single nucleotide variant.
Coding change: c.2467G>T on transcript NM_020975.6 (MANE Select); coding-DNA position 2467, G replaced by T.
Protein change: p.Gly823Trp; replaces glycine 823 with tryptophan.
Molecular consequence: missense variant.
Genome position (GRCh38, 1-based): chr10:43,119,605, G>T. VCF-style: chr10-43119605-G-T. GRCh37 (hg19) VCF-style: chr10-43615053-G-T.
Other names: c.2338G>T, p.Gly780Trp (NM_001406761.1, NM_001406762.1, NM_001406764.1); c.2332G>T, p.Gly778Trp (NM_001406763.1, NM_001406765.1); c.2179G>T, p.Gly727Trp (NM_001406766.1, NM_001406767.1, NM_001406770.1); c.2203G>T, p.Gly735Trp (NM_001406768.1); c.2071G>T, p.Gly691Trp (NM_001406769.1, NM_001406772.1); c.2029G>T, p.Gly677Trp (NM_001406771.1, NM_001406773.1); c.1942G>T, p.Gly648Trp (NM_001406774.1); c.1741G>T, p.Gly581Trp (NM_001406775.1, NM_001406776.1, NM_001406777.1 and 1 more transcripts); and 10 more; short protein forms G340W, G727W, G388W, G428W, G569W, G648W, G691W, G780W.
Identifiers: ClinVar variation 1791710 (VCV001791710.2), dbSNP rs138847998, ClinGen allele CA376556287.

ClinVar aggregate classification (germline): Uncertain significance (1 of 4 stars; one submission).

Conditions:
Hereditary cancer-predisposing syndrome. Also called: Hereditary Cancer Syndrome; Hereditary neoplastic syndrome; Tumor predisposition; Neoplastic Syndromes, Hereditary. Identifiers: Orphanet 140162, MedGen C0027672, MeSH D009386, MONDO:0015356.

Submission:

Ambry Genetics
Classification: Uncertain significance for Hereditary cancer-predisposing syndrome. Last evaluated: 2021-12-17. Review status: criteria provided, single submitter. Criteria: Ambry Variant Classification Scheme 2023. Collection method: clinical testing. Allele origin: germline.
Comment: The p.G823W variant (also known as c.2467G>T), located in coding exon 14 of the RET gene, results from a G to T substitution at nucleotide position 2467. The glycine at codon 823 is replaced by tryptophan, an amino acid with highly dissimilar properties. This amino acid position is highly conserved in available vertebrate species. In addition, this alteration is predicted to be deleterious by in silico analysis. Since supporting evidence is limited at this time, the clinical significance of this alteration remains unclear.